The following is an entry in ClinVar:

NM_000530.8(MPZ):c.560_563dup (p.Ala189fs)

Gene: MPZ (myelin protein zero; minus strand). Cytogenetic location: 1q23.3.
Variant type: Microsatellite.
Coding change: c.560_563dup on transcript NM_000530.8 (MANE Select); coding-DNA positions 560 to 563, 4 bases duplicated (AGGC; older notation c.560_563dupAGGC).
Protein change: p.Ala189fs; shifts the reading frame from alanine 189.
Molecular consequence: frameshift variant.
Genome position (GRCh38, 1-based): chr1:161,306,350-161,306,353, GCCT duplicated on the plus strand (AGGC on the coding strand, the reverse complement: MPZ is on the minus strand); duplicating any 4 consecutive bases within chr1:161,306,350-161,306,359 gives the same sequence; the c. name uses the placement nearest the transcript's 3' end. VCF-style (leftmost placement, unchanged base first): chr1-161306349-C-CGCCT. GRCh37 (hg19) VCF-style: chr1-161276139-C-CGCCT.
Other names: c.560_563dup, p.Ala189fs (NM_001315491.2); short protein forms A189fs.
Identifiers: ClinVar variation 531694 (VCV000531694.9), dbSNP rs1553259566, ClinGen allele CA658795554.

ClinVar aggregate classification (germline): Pathogenic. Review status: criteria provided, multiple submitters, no conflicts (2 of 4 stars). 2 submissions from 2 submitters: Pathogenic (2). Last evaluated 2023-12-18.

Conditions:
Dejerine-Sottas disease. Also called: Hereditary motor and sensory neuropathy 3; Charcot-Marie-Tooth disease type 3; HMSN Type III; DEJERINE-SOTTAS NEUROPATHY; HEREDITARY MOTOR AND SENSORY NEUROPATHY TYPE III. Identifiers: Orphanet 64748, MedGen C0011195, MONDO:0007790, OMIM 145900.
Charcot-Marie-Tooth disease, type I (CMT1). Also called: Charcot-Marie-Tooth disease type 1; Charcot-Marie-Tooth, Type 1. Identifiers: Orphanet 65753, MedGen C0751036, MONDO:0019011.

Submissions (2):

3billion
Classification: Pathogenic for Dejerine-Sottas disease. Last evaluated: 2023-12-18. Review status: criteria provided, single submitter. Criteria: ACMG Guidelines, 2015. Collection method: clinical testing. Allele origin: germline. Affected: yes.
Comment: The variant is not observed in the gnomAD v2.1.1 dataset. Predicted Consequence/Location: Frameshift: predicted to result in a loss or disruption of normal protein function through nonsense-mediated decay (NMD) or protein truncation. Multiple pathogenic variants are reported downstream of the variant. The variant has been reported to be associated with MPZ related disorder (ClinVar ID: VCV000531694 /PMID: 9588852). Therefore, this variant is classified as Pathogenic according to the recommendation of ACMG/AMP guideline.

Labcorp Genetics (formerly Invitae), Labcorp
Classification: Pathogenic for Charcot-Marie-Tooth disease, type I. Last evaluated: 2017-10-30. Review status: criteria provided, single submitter. Criteria: Invitae Variant Classification Sherloc (09022015). Collection method: clinical testing. Allele origin: germline.
Comment: This sequence change results in a premature translational stop signal in the MPZ gene (p.Ala189Glyfs*47). While this is not anticipated to result in nonsense mediated decay, it is expected to disrupt the last 60 amino acids of the MPZ protein. This variant is not present in population databases (ExAC no frequency). This variant has been reported to be de novo in an individual affected with Dejerine-Sottas syndrome (PMID: 9588852). A different truncation downstream of this variant (p.Glu222Valfs*14) has been determined to be pathogenic (PMID: 7530550). This suggests that deletion of this region of the MPZ protein is causative of disease. For these reasons, this variant has been classified as Pathogenic.

Literature cited by the submitters: PubMed 9588852 (cited by 3billion and Labcorp Genetics (formerly Invitae), Labcorp); PubMed 7530550 (cited by Labcorp Genetics (formerly Invitae), Labcorp).